The following is an entry in ClinVar:

NM_017433.5(MYO3A):c.2925A>G (p.Thr975=)

Gene: MYO3A (myosin IIIA; plus strand). Cytogenetic location: 10p12.1.
Variant type: single nucleotide variant.
Coding change: c.2925A>G on transcript NM_017433.5 (MANE Select); coding-DNA position 2925, A replaced by G.
Protein change: p.Thr975=; no amino-acid change (threonine 975 retained).
Molecular consequence: synonymous variant.
Genome position (GRCh38, 1-based): chr10:26,157,441, A>G. VCF-style: chr10-26157441-A-G. GRCh37 (hg19) VCF-style: chr10-26446370-A-G.
Identifiers: ClinVar variation 2640362 (VCV002640362.24), dbSNP rs2493810581, ClinGen allele CA468480044.

ClinVar aggregate classification (germline): Likely benign (1 of 4 stars; one submission).

Submission:

CeGaT Center for Human Genetics Tuebingen
Classification: Likely benign. Last evaluated: 2023-01-01. Review status: criteria provided, single submitter. Criteria: CeGaT Center For Human Genetics Tuebingen Variant Classification Criteria Version 2. Collection method: clinical testing. Allele origin: germline. Affected: yes. Observed: 1 variant allele.
Comment: MYO3A: PM2:Supporting, BP4, BP7